The following is an entry in ClinVar:

NM_000400.4(ERCC2):c.953C>G (p.Ala318Gly)

Gene: ERCC2 (ERCC excision repair 2, TFIIH core complex helicase subunit; minus strand). Cytogenetic location: 19q13.32.
Variant type: single nucleotide variant.
Coding change: c.953C>G on transcript NM_000400.4 (MANE Select); coding-DNA position 953, C replaced by G.
Protein change: p.Ala318Gly; replaces alanine 318 with glycine.
Molecular consequence: missense variant.
Genome position (GRCh38, 1-based): chr19:45,363,908, G>C on the plus strand (C>G on the coding strand, the complement: ERCC2 is on the minus strand). VCF-style: chr19-45363908-G-C. GRCh37 (hg19) VCF-style: chr19-45867166-G-C.
Other names: c.881C>G, p.Ala294Gly (NM_001130867.2); c.953C>G (NM_000400.3); short protein forms A294G, A318G.
Identifiers: ClinVar variation 1461066 (VCV001461066.6), dbSNP rs2123286508, ClinGen allele CA406373162.

ClinVar aggregate classification (germline): Uncertain significance. Review status: criteria provided, multiple submitters, no conflicts (2 of 4 stars). 2 submissions from 2 submitters: Uncertain significance (2). Last evaluated 2024-06-08.

Conditions:
Inborn genetic diseases. Identifiers: MedGen C0950123, MeSH D030342.

Submissions (2):

Ambry Genetics
Classification: Uncertain significance for Inborn genetic diseases. Last evaluated: 2024-06-08. Review status: criteria provided, single submitter. Criteria: Ambry Variant Classification Scheme 2023. Collection method: clinical testing. Allele origin: germline.
Comment: The p.A318G variant (also known as c.953C>G), located in coding exon 11 of the ERCC2 gene, results from a C to G substitution at nucleotide position 953. The alanine at codon 318 is replaced by glycine, an amino acid with similar properties. This amino acid position is conserved. In addition, the in silico prediction for this alteration is inconclusive. Based on the available evidence, the clinical significance of this variant remains unclear.

Labcorp Genetics (formerly Invitae), Labcorp
Classification: Uncertain significance. Last evaluated: 2021-12-02. Review status: criteria provided, single submitter. Criteria: Invitae Variant Classification Sherloc (09022015). Collection method: clinical testing. Allele origin: germline.
Comment: This sequence change replaces alanine, which is neutral and non-polar, with glycine, which is neutral and non-polar, at codon 318 of the ERCC2 protein (p.Ala318Gly). This variant is not present in population databases (gnomAD no frequency). This variant has not been reported in the literature in individuals affected with ERCC2-related conditions. Algorithms developed to predict the effect of missense changes on protein structure and function are either unavailable or do not agree on the potential impact of this missense change (SIFT: "Deleterious"; PolyPhen-2: "Possibly Damaging"; Align-GVGD: "Class C0"). In summary, the available evidence is currently insufficient to determine the role of this variant in disease. Therefore, it has been classified as a Variant of Uncertain Significance.